The following is an entry in ClinVar:

NM_006005.3(WFS1):c.2580C>A (p.His860Gln)

Gene: WFS1 (wolframin ER transmembrane glycoprotein; plus strand). Cytogenetic location: 4p16.1.
Variant type: single nucleotide variant.
Coding change: c.2580C>A on transcript NM_006005.3 (MANE Select); coding-DNA position 2580, C replaced by A.
Protein change: p.His860Gln; replaces histidine 860 with glutamine.
Molecular consequence: missense variant.
Genome position (GRCh38, 1-based): chr4:6,302,375, C>A. VCF-style: chr4-6302375-C-A. GRCh37 (hg19) VCF-style: chr4-6304102-C-A.
Other names: c.2580C>A, p.His860Gln (NM_001145853.1); short protein forms H860Q.
Identifiers: ClinVar variation 1327781 (VCV001327781.11), dbSNP rs754802246, ClinGen allele CA2839787.

ClinVar aggregate classification (germline): Uncertain significance. Review status: criteria provided, multiple submitters, no conflicts (2 of 4 stars). 3 submissions from 3 submitters: Uncertain significance (3). Last evaluated 2025-09-09.

Conditions:
Autosomal dominant nonsyndromic hearing loss 6 (LFSNHL). Also called: Autosomal dominant nonsyndromic deafness 6; DEAFNESS, AUTOSOMAL DOMINANT 6; DEAFNESS, AUTOSOMAL DOMINANT 14; DEAFNESS, AUTOSOMAL DOMINANT 38. Identifiers: Orphanet 90635, MedGen C1833021, MONDO:0010963, OMIM 600965.
Type 2 diabetes mellitus. Also called: Type II diabetes mellitus. Identifiers: MedGen C0011860, MeSH D003924, MONDO:0005148, OMIM 125853, HP:0005978.
Wolfram-like syndrome. Also called: HEARING LOSS, PROGRESSIVE, WITH OPTIC ATROPHY AND/OR IMPAIRED GLUCOSE REGULATION. Identifiers: Orphanet 411590, MedGen C3280358, MONDO:0013673, OMIM 614296.
Cataract 41 (CTRCT41). Also called: CATARACT 41, CONGENITAL NUCLEAR TYPE. Identifiers: Orphanet 91492, Orphanet 98991, Orphanet 98992, Orphanet 98995, MedGen C3805412, MONDO:0007287, OMIM 116400.
Wolfram syndrome 1 (WFS1). Identifiers: Orphanet 3463, MedGen C4551693, MONDO:0009101, OMIM 222300.

gnomAD v4.1: 41 of 1,613,010 alleles (0.0025%); highest among the groups gnomAD compares: Non-Finnish European, 0.0035%; no homozygotes.

Submissions (3):

Labcorp Genetics (formerly Invitae), Labcorp
Classification: Uncertain significance. Last evaluated: 2025-09-09. Review status: criteria provided, single submitter. Criteria: Invitae Variant Classification Sherloc (09022015). Collection method: clinical testing. Allele origin: germline.
Comment: This sequence change replaces histidine, which is basic and polar, with glutamine, which is neutral and polar, at codon 860 of the WFS1 protein (p.His860Gln). This variant is present in population databases (rs754802246, gnomAD 0.004%). This variant has not been reported in the literature in individuals affected with WFS1-related conditions. ClinVar contains an entry for this variant (Variation ID: 1327781). Invitae Evidence Modeling of protein sequence and biophysical properties (such as structural, functional, and spatial information, amino acid conservation, physicochemical variation, residue mobility, and thermodynamic stability) indicates that this missense variant is not expected to disrupt WFS1 protein function with a negative predictive value of 95%. In summary, the available evidence is currently insufficient to determine the role of this variant in disease. Therefore, it has been classified as a Variant of Uncertain Significance.

Fulgent Genetics
Classification: Uncertain significance for Cataract 41; Type 2 diabetes mellitus; Wolfram syndrome 1; Autosomal dominant nonsyndromic hearing loss 6; Wolfram-like syndrome. Last evaluated: 2021-09-23. Review status: criteria provided, single submitter. Criteria: ACMG Guidelines, 2015. Collection method: clinical testing. Allele origin: unknown.

GeneDx
Classification: Uncertain significance. Last evaluated: 2021-06-10. Review status: criteria provided, single submitter. Criteria: GeneDx Variant Classification Process June 2021. Collection method: clinical testing. Allele origin: germline. Affected: yes.
Comment: Not observed at significant frequency in large population cohorts (Lek et al., 2016); In silico analysis supports that this missense variant does not alter protein structure/function; Has not been previously published as pathogenic or benign to our knowledge; This variant is associated with the following publications: (PMID: 27535533)